The following is an entry in ClinVar:

NM_002496.4(NDUFS8):c.199+15T>A

Gene: NDUFS8 (NADH:ubiquinone oxidoreductase core subunit S8; plus strand). Cytogenetic location: 11q13.2.
Variant type: single nucleotide variant.
Coding change: c.199+15T>A on transcript NM_002496.4 (MANE Select); 15 bases into the intron after coding-DNA position 199, T replaced by A.
Molecular consequence: intron variant.
Genome position (GRCh38, 1-based): chr11:68,033,027, T>A. VCF-style: chr11-68033027-T-A. GRCh37 (hg19) VCF-style: chr11-67800494-T-A.
Identifiers: ClinVar variation 380968 (VCV000380968.10), dbSNP rs3115545, ClinGen allele CA6146401.

ClinVar aggregate classification (germline): Benign/Likely benign. Review status: criteria provided, multiple submitters, no conflicts (2 of 4 stars). 3 submissions from 3 submitters: Benign (1); Likely benign (2). Last evaluated 2026-01-07.

Allele frequency attached by ClinVar (database versions not stated): 1000 Genomes Project 0.00160; 1000 Genomes Project 30x 0.00172.

Submissions (3):

Labcorp Genetics (formerly Invitae), Labcorp
Classification: Benign. Last evaluated: 2026-01-07. Review status: criteria provided, single submitter. Criteria: Invitae Variant Classification Sherloc (09022015). Collection method: clinical testing. Allele origin: germline.

Blueprint Genetics
Classification: Likely benign. Last evaluated: 2024-07-14. Review status: criteria provided, single submitter. Criteria: ACMG Guidelines, 2015. Collection method: clinical testing. Allele origin: germline.

GeneDx
Classification: Likely benign. Last evaluated: 2016-08-11. Review status: criteria provided, single submitter. Criteria: GeneDx Variant Classification (06012015). Collection method: clinical testing. Allele origin: germline. Affected: yes.
Comment: This variant is considered likely benign or benign based on one or more of the following criteria: it is a conservative change, it occurs at a poorly conserved position in the protein, it is predicted to be benign by multiple in silico algorithms, and/or has population frequency not consistent with disease.